The following is an entry in ClinVar:

ClinVar aggregate classification (germline): Conflicting classifications of pathogenicity. Review status: criteria provided, conflicting classifications (1 of 4 stars). 6 submissions from 6 submitters: Pathogenic (1); Likely pathogenic (2); Uncertain significance (2). 1 of the submissions does not count toward it. Last evaluated 2026-01-14.

Conditions:
Autosomal recessive nonsyndromic hearing loss 1A (DFNB1A). Also called: GJB6-Related DFNB 1 Nonsyndromic Hearing Loss and Deafness; Connexin 26 deafness; Deafness nonsyndromic, Connexin 26 linked; Deafness, autosomal recessive 1A; Nonsyndromic Hearing Loss and Deafness, DFNB1; GJB2-Related Autosomal Recessive Nonsyndromic Hearing Loss. Identifiers: Orphanet 90636, MedGen C2673759, MONDO:0009076, OMIM 220290.

Allele frequency attached by ClinVar (database versions not stated): TOPMed 0.00002.
gnomAD v4.1: 35 of 1,591,136 alleles (0.0022%); highest among the groups gnomAD compares: Admixed American, 0.02%; 1 homozygote.

Submissions (6):

Labcorp Genetics (formerly Invitae), Labcorp
Classification: Likely pathogenic. Last evaluated: 2026-01-14. Review status: criteria provided, single submitter. Criteria: Invitae Variant Classification Sherloc (09022015). Collection method: clinical testing. Allele origin: germline.
Comment: This sequence change replaces glycine, which is neutral and non-polar, with aspartic acid, which is acidic and polar, at codon 12 of the GJB2 protein (p.Gly12Asp). This variant is present in population databases (rs1801002, gnomAD 0.03%). This missense change has been observed in individual(s) with deafness (PMID: 21388256, 22695344, 24774219, 25012701). ClinVar contains an entry for this variant (Variation ID: 551229). Invitae Evidence Modeling of protein sequence and biophysical properties (such as structural, functional, and spatial information, amino acid conservation, physicochemical variation, residue mobility, and thermodynamic stability) indicates that this missense variant is expected to disrupt GJB2 protein function with a positive predictive value of 95%. This variant disrupts the p.Gly12 amino acid residue in GJB2. Other variant(s) that disrupt this residue have been determined to be pathogenic (PMID: 10982180, 19371219, 24158611, 25288386). This suggests that this residue is clinically significant, and that variants that disrupt this residue are likely to be disease-causing. In summary, the currently available evidence indicates that the variant is pathogenic, but additional data are needed to prove that conclusively. Therefore, this variant has been classified as Likely Pathogenic.

First Genomix Gene Laboratory, Genetic Diagnostics Department
Classification: Pathogenic for Autosomal recessive nonsyndromic hearing loss 1A. Last evaluated: 2025-09-03. Review status: criteria provided, single submitter. Criteria: ACMG Guidelines, 2015. Collection method: clinical testing. Allele origin: germline. Inheritance: Autosomal recessive inheritance. Affected: no. Observed: 1 variant allele.

Natera, Inc.
Classification: Likely pathogenic for Autosomal recessive deafness type 1A. Last evaluated: 2025-07-09. Review status: criteria provided, single submitter. Criteria: Natera Variant Classification Schema (03/2026). Collection method: clinical testing. Allele origin: germline.
Comment: The c.35G>A variant in GJB2 is a missense variant predicted to cause substitution of glycine to aspartic acid at amino acid 12. This variant is rare in the general population with a frequency below the threshold expected for the associated phenotype(s). This variant has been observed in at least one unaffected individual, with a zygosity that is consistent with the inheritance pattern for the associated condition (in gnomAD and/or literature). This variant has been observed in one or more individuals affected with the associated recessive disease, as either homozygous or compound heterozygous with a second variant (PMID: 39336818). A different variant at the same position has been determined to be Pathogenic or Likely Pathogenic. Computational prediction algorithms indicate this variant is likely to affect gene or protein function. Given the available evidence, this variant is classified as Likely Pathogenic.

Women's Health and Genetics/Laboratory Corporation of America, LabCorp
Classification: Uncertain significance. Last evaluated: 2025-05-27. Review status: criteria provided, single submitter. Criteria: LabCorp Variant Classification Summary - May 2015. Collection method: clinical testing. Allele origin: germline.
Comment: Variant summary: GJB2 c.35G>A (p.Gly12Asp) results in a non-conservative amino acid change located in the Connexin, N-terminal domain of the encoded protein sequence. Algorithms developed to predict the effect of missense changes on protein structure and function all suggest that this variant is likely to be disruptive. The variant allele was found at a frequency of 7.2e-05 in 249434 control chromosomes in the gnomAD database, including 1 homozygotes. This frequency is not significantly higher than estimated for a pathogenic variant in GJB2 causing Autosomal Recessive Non-Syndromic Hearing Loss (7.2e-05 vs 0.025), allowing no conclusion about variant significance. c.35G>A has been observed in the heterozygous state in individual(s) affected with Non-Syndromic Hearing Loss (Ferraris_2002, Mahdieh_2011, Bazazzadegan_2012, Loeza-Becerra_2014, Hernandez-Juarez_2014, Gruber_2016). These report(s) do not provide unequivocal conclusions about association of the variant with Autosomal Recessive Non-Syndromic Hearing Loss. Different variants affecting the same codon has been classified as likely pathogenic or pathogenic by our lab (c.35G>T, p.Gly12Val and c.34G>T, p.Gly12Cys), supporting the critical relevance of codon 12 to GJB2 protein function. To our knowledge, no experimental evidence demonstrating an impact on protein function has been reported. The following publications have been ascertained in the context of this evaluation (PMID: 22695344, 12325027, 27466889, 25288386, 24774219, 21388256). ClinVar contains an entry for this variant (Variation ID: 551229). Based on the evidence outlined above, the variant was classified as VUS-possibly pathogenic.

GeneDx
Classification: Uncertain significance. Last evaluated: 2022-12-27. Review status: criteria provided, single submitter. Criteria: GeneDx Variant Classification Process June 2021. Collection method: clinical testing. Allele origin: germline. Affected: yes.
Comment: Reported in multiple individuals with hearing loss in published literature; however, some individuals were reported to harbor this variant as a single heterozygous variant despite family history suggestive of recessive inheritance, and others did not provide zygosity or the presence of a second variant (Ferraris et al., 2002; Mahdieh et al., 2011; Bazazzadegan et al., 2012; Loeza-Becerra et al., 2014; Hernandez-Juarez et al., 2014; Zeinali et al., 2015); In silico analysis supports that this missense variant has a deleterious effect on protein structure/function; This variant is associated with the following publications: (PMID: 12325027, 25388846, 25288386, 22695344, 24774219, 25012701, 26252218, 21388256, 31215297, 34276761, 35457072)

Counsyl
Classification: Uncertain significance for Autosomal recessive nonsyndromic hearing loss 1A. Last evaluated: 2017-04-04. Review status: no assertion criteria provided. Collection method: clinical testing. Allele origin: unknown. Not counted in ClinVar's aggregate classification.

Literature cited by the submitters: PubMed 21388256 (cited by Labcorp Genetics (formerly Invitae), Labcorp and Women's Health and Genetics/Laboratory Corporation of America, LabCorp); PubMed 22695344 (cited by 3 submitters); PubMed 24774219 (cited by 3 submitters); PubMed 25012701 (cited by Labcorp Genetics (formerly Invitae), Labcorp and Counsyl); PubMed 10982180 (cited by Labcorp Genetics (formerly Invitae), Labcorp); PubMed 19371219 (cited by Labcorp Genetics (formerly Invitae), Labcorp); PubMed 24158611 (cited by Labcorp Genetics (formerly Invitae), Labcorp); PubMed 25288386 (cited by 3 submitters); PubMed 39336818 (cited by Natera, Inc.); PubMed 12325027 (cited by Women's Health and Genetics/Laboratory Corporation of America, LabCorp); PubMed 27466889 (cited by Women's Health and Genetics/Laboratory Corporation of America, LabCorp).

NM_004004.6(GJB2):c.35G>A (p.Gly12Asp)

Gene: GJB2 (gap junction protein beta 2; minus strand). Cytogenetic location: 13q12.11.
Variant type: single nucleotide variant.
Coding change: c.35G>A on transcript NM_004004.6 (MANE Select); coding-DNA position 35, G replaced by A.
Protein change: p.Gly12Asp; replaces glycine 12 with aspartic acid.
Molecular consequence: missense variant.
Genome position (GRCh38, 1-based): chr13:20,189,547, C>T on the plus strand (G>A on the coding strand, the complement: GJB2 is on the minus strand). VCF-style: chr13-20189547-C-T. GRCh37 (hg19) VCF-style: chr13-20763686-C-T.
Other names: short protein forms G12D.
Identifiers: ClinVar variation 551229 (VCV000551229.11), dbSNP rs1801002, ClinGen allele CA6904330.
Genomic context (GRCh38, chr13:20,189,547, plus strand): 5'-CGAAAAATGAAGAGGACGGTGAGCCAGATCTTTCCAATGCTGGTGGAGTGTTTGTTCACA[C>T]CCCCCAGGATCGTCTGCAGCGTGCCCCAATCCATCTTCTACTCTGGGCGGTTTGCTCTGG-3'
Protein context (NP_003995.2, residues 2-22): DWGTLQTILG[Gly12Asp]VNKHSTSIGK